The following is an entry in ClinVar:

ClinVar aggregate classification (germline): Uncertain significance. Review status: criteria provided, multiple submitters, no conflicts (2 of 4 stars). 3 submissions from 3 submitters: Uncertain significance (3). Last evaluated 2026-04-14.

Conditions:
OTOG-related disorder. Also called: OTOG-related condition.

gnomAD v4.1: 45 of 1,550,324 alleles (0.0029%); highest among the groups gnomAD compares: Admixed American, 0.027%; no homozygotes.

Submissions (3):

PreventionGenetics, part of Exact Sciences
Classification: Uncertain significance for OTOG-related condition. Last evaluated: 2026-04-14. Review status: criteria provided, single submitter. Criteria: ACMG Guidelines, 2015. Collection method: clinical testing. Allele origin: germline.
Comment: The OTOG c.8401G>T variant is predicted to result in the amino acid substitution p.Val2801Phe. To our knowledge, this variant has not been reported in the literature. This variant is reported in 0.029% of alleles in individuals of Latino descent in gnomAD. At this time, the clinical significance of this variant is uncertain due to the absence of conclusive functional and genetic evidence.

GeneDx
Classification: Uncertain significance. Last evaluated: 2026-01-26. Review status: criteria provided, single submitter. Criteria: GeneDx Variant Classification Process June 2021. Collection method: clinical testing. Allele origin: germline.
Comment: In silico analysis suggests that this missense variant does not alter protein structure/function; Has not been previously published as pathogenic or benign to our knowledge

Blueprint Genetics
Classification: Uncertain significance. Last evaluated: 2018-03-01. Review status: criteria provided, single submitter. Criteria: ACMG Guidelines, 2015. Collection method: clinical testing. Allele origin: germline.

NM_001292063.2(OTOG):c.8365G>T (p.Val2789Phe)

Gene: OTOG (otogelin; plus strand). Cytogenetic location: 11p15.1.
Variant type: single nucleotide variant.
Coding change: c.8365G>T on transcript NM_001292063.2 (MANE Select); coding-DNA position 8365, G replaced by T.
Protein change: p.Val2789Phe; replaces valine 2789 with phenylalanine.
Molecular consequence: missense variant.
Genome position (GRCh38, 1-based): chr11:17,642,196, G>T. VCF-style: chr11-17642196-G-T. GRCh37 (hg19) VCF-style: chr11-17663743-G-T.
Other names: c.8401G>T, p.Val2801Phe (NM_001277269.2); short protein forms V2789F, V2801F.
Identifiers: ClinVar variation 4526946 (VCV004526946.4).
Genomic context (GRCh38, chr11:17,642,196, plus strand): 5'-TCCTGGATCGCAGACTGCGCCCGCCACCACTGCAGCAGCACGCCCCTGGGTGCCGTGCTG[G>T]TCCGCTCTCCCATAAGCTGCCCACCGCTCAATGAGACTGAGTGTGCCAAGGTCAGTGCCT-3'
Protein context (NP_001278992.1, residues 2779-2799): CSSTPLGAVL[Val2789Phe]RSPISCPPLN